The following is an entry in ClinVar:

ClinVar aggregate classification (germline): Benign. Review status: criteria provided, multiple submitters, no conflicts (2 of 4 stars). 5 submissions from 5 submitters: Benign (4). 1 of the submissions does not count toward it. Last evaluated 2021-07-15.

Conditions:
Intellectual developmental disorder, X-linked, syndromic, Stocco dos Santos type. Also called: X-linked intellectual disability, Stocco dos Santos type; STOCCO DOS SANTOS X-LINKED MENTAL RETARDATION SYNDROME; Stocco dos Santos syndrome. Identifiers: Orphanet 85288, MedGen C1845530, MONDO:0010325, OMIM 300434.

Allele frequency attached by ClinVar (database versions not stated): gnomAD 0.29345 and 0.29700; 1000 Genomes Project 30x 0.29532; TOPMed 0.29621; 1000 Genomes Project 0.29987; ESP Exome Variant Server 0.31052.
gnomAD v4.1: 365,019 of 1,170,924 alleles (31%); highest among the groups gnomAD compares: South Asian, 40%; 37,167 homozygotes.

Submissions (5):

Genome-Nilou Lab
Classification: Benign for Intellectual developmental disorder, X-linked, syndromic, Stocco dos Santos type. Last evaluated: 2021-07-15. Review status: criteria provided, single submitter. Criteria: ACMG Guidelines, 2015. Collection method: clinical testing. Allele origin: germline. Affected: no.

Eurofins Ntd Llc (ga)
Classification: Benign. Last evaluated: 2015-08-19. Review status: criteria provided, single submitter. Criteria: EGL Classification Definitions 2015. Collection method: clinical testing. Allele origin: germline. Observed: 38 variant alleles, 3 heterozygotes, 35 hemizygotes.

Ambry Genetics
Classification: Benign. Last evaluated: 2014-11-24. Review status: criteria provided, single submitter. Criteria: Ambry Variant Classification Scheme 2023. Collection method: clinical testing. Allele origin: germline.

Breakthrough Genomics
Classification: Benign. Review status: criteria provided, single submitter. Criteria: ACMG Guidelines, 2015. Collection method: not provided. Allele origin: germline. Inheritance: Unknown mechanism. Affected: yes.

Genetic Services Laboratory, University of Chicago
Classification: Likely benign for AllHighlyPenetrant. Review status: no assertion criteria provided. Collection method: clinical testing. Allele origin: germline. Inheritance: X-linked inheritance. Not counted in ClinVar's aggregate classification.
Comment: Likely benign based on allele frequency in 1000 Genomes Project or ESP global frequency and its presence in a patient with a rare or unrelated disease phenotype. NOT Sanger confirmed.

NM_020717.5(SHROOM4):c.3468A>G (p.Glu1156=)

Gene: SHROOM4 (shroom family member 4; minus strand). Cytogenetic location: Xp11.22.
Variant type: single nucleotide variant.
Coding change: c.3468A>G on transcript NM_020717.5 (MANE Select); coding-DNA position 3468, A replaced by G.
Protein change: p.Glu1156=; no amino-acid change (glutamic acid 1156 retained).
Molecular consequence: synonymous variant. On other transcripts: non-coding transcript variant (4).
Genome position (GRCh38, 1-based): chrX:50,607,674, T>C on the plus strand (A>G on the coding strand, the complement: SHROOM4 is on the minus strand). VCF-style: chrX-50607674-T-C. GRCh37 (hg19) VCF-style: chrX-50350674-T-C.
Identifiers: ClinVar variation 95973 (VCV000095973.14), dbSNP rs3747282, ClinGen allele CA149092.